The following is an entry in ClinVar:

ClinVar aggregate classification (germline): Uncertain significance (1 of 4 stars; one submission).

Submission:

Labcorp Genetics (formerly Invitae), Labcorp
Classification: Uncertain significance. Last evaluated: 2024-02-20. Review status: criteria provided, single submitter. Criteria: Invitae Variant Classification Sherloc (09022015). Collection method: clinical testing. Allele origin: germline.
Comment: This sequence change replaces glutamic acid, which is acidic and polar, with glycine, which is neutral and non-polar, at codon 76 of the COQ8A protein (p.Glu76Gly). This variant is not present in population databases (gnomAD no frequency). This variant has not been reported in the literature in individuals affected with COQ8A-related conditions. ClinVar contains an entry for this variant (Variation ID: 1955576). Advanced modeling of protein sequence and biophysical properties (such as structural, functional, and spatial information, amino acid conservation, physicochemical variation, residue mobility, and thermodynamic stability) performed at Invitae indicates that this missense variant is not expected to disrupt COQ8A protein function with a negative predictive value of 95%. In summary, the available evidence is currently insufficient to determine the role of this variant in disease. Therefore, it has been classified as a Variant of Uncertain Significance.

NM_020247.5(COQ8A):c.227A>G (p.Glu76Gly)

Gene: COQ8A (coenzyme Q8A; plus strand). Cytogenetic location: 1q42.13.
Variant type: single nucleotide variant.
Coding change: c.227A>G on transcript NM_020247.5 (MANE Select); coding-DNA position 227, A replaced by G.
Protein change: p.Glu76Gly; replaces glutamic acid 76 with glycine.
Molecular consequence: missense variant.
Genome position (GRCh38, 1-based): chr1:226,965,049, A>G. VCF-style: chr1-226965049-A-G. GRCh37 (hg19) VCF-style: chr1-227152750-A-G.
Other names: short protein forms E76G.
Identifiers: ClinVar variation 1955576 (VCV001955576.5), dbSNP rs2528249306, ClinGen allele CA345049929.